The following is an entry in ClinVar:

ClinVar aggregate classification (germline): Pathogenic (1 of 4 stars; one submission).

Conditions:
Periventricular nodular heterotopia 8. Identifiers: MedGen C4748602, MONDO:0032588, OMIM 618185.

Submission:

Groupe Hospitalier Pitie Salpetriere, Uf Genomique Du Developpement, Assistance Publique Hopitaux de Paris Sorbonne Université
Classification: Pathogenic for Periventricular nodular heterotopia 8. Last evaluated: 2022-03-12. Review status: criteria provided, single submitter. Criteria: ACMG Guidelines, 2015. Collection method: clinical testing. Allele origin: de novo. Affected: yes.
Comment: PS2, PM2, PM5, PP3, PP2

NM_001658.4(ARF1):c.392C>G (p.Pro131Arg)

Genes: ARF1 (ARF GTPase 1; plus strand), LOC126806039 (CDK7 strongly-dependent group 2 enhancer GRCh37_chr1:228284937-228286136; plus strand). Cytogenetic location: 1q42.13.
Variant type: single nucleotide variant.
Coding change: c.392C>G on transcript NM_001658.4 (MANE Select); coding-DNA position 392, C replaced by G.
Protein change: p.Pro131Arg; replaces proline 131 with arginine.
Molecular consequence: missense variant.
Genome position (GRCh38, 1-based): chr1:228,097,859, C>G. VCF-style: chr1-228097859-C-G. GRCh37 (hg19) VCF-style: chr1-228285560-C-G.
Other names: c.392C>G, p.Pro131Arg (NM_001024226.2, NM_001024227.1, NM_001024228.2); short protein forms P131R.
Identifiers: ClinVar variation 1343799 (VCV001343799.1), dbSNP rs2124858360, ClinGen allele CA345079601.